The following is an entry in ClinVar:

NM_000937.5(POLR2A):c.289G>T (p.Val97Leu)

Gene: POLR2A (RNA polymerase II subunit A; plus strand). Cytogenetic location: 17p13.1.
Variant type: single nucleotide variant.
Coding change: c.289G>T on transcript NM_000937.5 (MANE Select); coding-DNA position 289, G replaced by T.
Protein change: p.Val97Leu; replaces valine 97 with leucine.
Molecular consequence: missense variant.
Genome position (GRCh38, 1-based): chr17:7,496,272, G>T. VCF-style: chr17-7496272-G-T. GRCh37 (hg19) VCF-style: chr17-7399591-G-T.
Other names: short protein forms V97L.
Identifiers: ClinVar variation 2572860 (VCV002572860.1), dbSNP rs868359721, ClinGen allele CA397856974.
Genomic context (GRCh38, chr17:7,496,272, plus strand): 5'-AACATGACAGAGTGTCCTGGCCACTTTGGCCACATTGAACTGGCCAAGCCTGTGTTTCAC[G>T]TGGGCTTCCTGGTGAAGACAATGAAAGTTTTGCGCTGTGTCTGCTTCTTCTGCTCCAAAC-3'
Protein context (NP_000928.1, residues 87-107): HIELAKPVFH[Val97Leu]GFLVKTMKVL

ClinVar aggregate classification (germline): Uncertain significance (1 of 4 stars; one submission).

Submission:

GeneDx
Classification: Uncertain significance. Last evaluated: 2023-01-10. Review status: criteria provided, single submitter. Criteria: GeneDx Variant Classification Process June 2021. Collection method: clinical testing. Allele origin: germline. Affected: yes.
Comment: Not observed at significant frequency in large population cohorts (gnomAD); In silico analysis supports that this missense variant has a deleterious effect on protein structure/function; Has not been previously published as pathogenic or benign to our knowledge